The following is an entry in ClinVar:

ClinVar aggregate classification (germline): Uncertain significance (1 of 4 stars; one submission).

Allele frequency attached by ClinVar (database versions not stated): gnomAD exomes below 0.00001.

Submission:

Labcorp Genetics (formerly Invitae), Labcorp
Classification: Uncertain significance. Last evaluated: 2023-07-17. Review status: criteria provided, single submitter. Criteria: Invitae Variant Classification Sherloc (09022015). Collection method: clinical testing. Allele origin: germline.
Comment: This sequence change replaces proline, which is neutral and non-polar, with leucine, which is neutral and non-polar, at codon 266 of the TAOK2 protein (p.Pro266Leu). This variant is not present in population databases (gnomAD no frequency). This variant has not been reported in the literature in individuals affected with TAOK2-related conditions. ClinVar contains an entry for this variant (Variation ID: 2041764). An algorithm developed to predict the effect of missense changes on protein structure and function (PolyPhen-2) suggests that this variant is likely to be disruptive. In summary, the available evidence is currently insufficient to determine the role of this variant in disease. Therefore, it has been classified as a Variant of Uncertain Significance.

NM_016151.4(TAOK2):c.797C>T (p.Pro266Leu)

Gene: TAOK2 (TAO kinase 2; plus strand). Cytogenetic location: 16p11.2.
Variant type: single nucleotide variant.
Coding change: c.797C>T on transcript NM_016151.4 (MANE Select); coding-DNA position 797, C replaced by T.
Protein change: p.Pro266Leu; replaces proline 266 with leucine.
Molecular consequence: missense variant.
Genome position (GRCh38, 1-based): chr16:29,981,906, C>T. VCF-style: chr16-29981906-C-T. GRCh37 (hg19) VCF-style: chr16-29993227-C-T.
Other names: c.797C>T, p.Pro266Leu (NM_001252043.2, NM_004783.4); short protein forms P266L.
Identifiers: ClinVar variation 2041764 (VCV002041764.4), dbSNP rs2543627455, ClinGen allele CA395474659.